The following is an entry in ClinVar:

NM_000222.3(KIT):c.1538A>G (p.Lys513Arg)

Gene: KIT (KIT proto-oncogene, receptor tyrosine kinase; plus strand). Cytogenetic location: 4q12.
Variant type: single nucleotide variant.
Coding change: c.1538A>G on transcript NM_000222.3 (MANE Select); coding-DNA position 1538, A replaced by G.
Protein change: p.Lys513Arg; replaces lysine 513 with arginine.
Molecular consequence: missense variant. On other transcripts: intron variant (4).
Genome position (GRCh38, 1-based): chr4:54,726,048, A>G. VCF-style: chr4-54726048-A-G. GRCh37 (hg19) VCF-style: chr4-55592214-A-G.
Other names: c.1538A>G (NM_000222.2); c.1531+10A>G (NM_001385288.1, NM_001385292.1); c.1528+10A>G (NM_001093772.2, NM_001385286.1); c.1541A>G, p.Lys514Arg (NM_001385284.1, NM_001385290.1); c.1538A>G, p.Lys513Arg (NM_001385285.1); short protein forms K513R, K514R.
Identifiers: ClinVar variation 1058039 (VCV001058039.8), dbSNP rs772813487, ClinGen allele CA2923502.

ClinVar aggregate classification (germline): Uncertain significance. Review status: criteria provided, multiple submitters, no conflicts (2 of 4 stars). 2 submissions from 2 submitters: Uncertain significance (2). Last evaluated 2025-08-29.

Conditions:
Hereditary cancer-predisposing syndrome. Also called: Tumor predisposition; Neoplastic Syndromes, Hereditary; Hereditary neoplastic syndrome; Hereditary Cancer Syndrome. Identifiers: Orphanet 140162, MedGen C0027672, MeSH D009386, MONDO:0015356.
Gastrointestinal stromal tumor. Also called: Gastrointestinal stromal tumor, somatic; Gastrointestinal stroma tumor. Identifiers: Orphanet 44890, MedGen C0238198, MeSH D046152, MONDO:0011719, OMIM 606764, HP:0100723.

Allele frequency attached by ClinVar (database versions not stated): gnomAD exomes below 0.00001; ExAC 0.00001.
gnomAD v4.1: 1 of 1,612,588 alleles (0.000062%); highest among the groups gnomAD compares: South Asian, 0.0011%; no homozygotes.

Submissions (2):

Ambry Genetics
Classification: Uncertain significance for Hereditary cancer-predisposing syndrome. Last evaluated: 2025-08-29. Review status: criteria provided, single submitter. Criteria: Ambry Variant Classification Scheme 2023. Collection method: clinical testing. Allele origin: germline.
Comment: The p.K513R variant (also known as c.1538A>G), located in coding exon 9 of the KIT gene, results from an A to G substitution at nucleotide position 1538. The lysine at codon 513 is replaced by arginine, an amino acid with highly similar properties. This amino acid position is conserved. In addition, this alteration is predicted to be tolerated by in silico analysis. Based on the available evidence, the clinical significance of this variant remains unclear.

Labcorp Genetics (formerly Invitae), Labcorp
Classification: Uncertain significance for Gastrointestinal stromal tumor. Last evaluated: 2025-07-30. Review status: criteria provided, single submitter. Criteria: Invitae Variant Classification Sherloc (09022015). Collection method: clinical testing. Allele origin: germline.
Comment: This sequence change replaces lysine, which is basic and polar, with arginine, which is basic and polar, at codon 513 of the KIT protein (p.Lys513Arg). This variant is present in population databases (rs772813487, gnomAD 0.003%). This variant has not been reported in the literature in individuals affected with KIT-related conditions. ClinVar contains an entry for this variant (Variation ID: 1058039). An algorithm developed to predict the effect of missense changes on protein structure and function (PolyPhen-2) suggests that this variant is likely to be disruptive. In summary, the available evidence is currently insufficient to determine the role of this variant in disease. Therefore, it has been classified as a Variant of Uncertain Significance.